The following is an entry in ClinVar:

NM_002018.4(FLII):c.3713G>A (p.Arg1238Gln)

Gene: FLII (FLII actin remodeling protein; minus strand). Cytogenetic location: 17p11.2.
Variant type: single nucleotide variant.
Coding change: c.3713G>A on transcript NM_002018.4 (MANE Select); coding-DNA position 3713, G replaced by A.
Protein change: p.Arg1238Gln; replaces arginine 1238 with glutamine.
Molecular consequence: missense variant.
Genome position (GRCh38, 1-based): chr17:18,245,235, C>T on the plus strand (G>A on the coding strand, the complement: FLII is on the minus strand). VCF-style: chr17-18245235-C-T. GRCh37 (hg19) VCF-style: chr17-18148549-C-T.
Other names: c.3680G>A, p.Arg1227Gln (NM_001256264.2); c.3548G>A, p.Arg1183Gln (NM_001256265.2); c.3713G>A (NM_002018.2); short protein forms R1183Q, R1227Q, R1238Q.
Identifiers: ClinVar variation 2647547 (VCV002647547.25), dbSNP rs201912251, ClinGen allele CA8427513.

ClinVar aggregate classification (germline): Likely benign. Review status: criteria provided, multiple submitters, no conflicts (2 of 4 stars). 2 submissions from 2 submitters: Likely benign (2). Last evaluated 2024-06-18.

Allele frequency attached by ClinVar (database versions not stated): ExAC 0.00002; TOPMed 0.00005; gnomAD 0.00006; ESP Exome Variant Server 0.00008; 1000 Genomes Project 30x 0.00031; 1000 Genomes Project 0.00040.

Submissions (2):

Ambry Genetics
Classification: Likely benign. Last evaluated: 2024-06-18. Review status: criteria provided, single submitter. Criteria: Ambry Variant Classification Scheme 2023. Collection method: clinical testing. Allele origin: germline.

CeGaT Center for Human Genetics Tuebingen
Classification: Likely benign. Last evaluated: 2023-02-01. Review status: criteria provided, single submitter. Criteria: CeGaT Center For Human Genetics Tuebingen Variant Classification Criteria Version 2. Collection method: clinical testing. Allele origin: germline. Affected: yes. Observed: 1 variant allele.
Comment: FLII: BP4